The following is an entry in ClinVar:

NM_001374828.1(ARID1B):c.3341C>G (p.Ser1114Ter)

Gene: ARID1B (AT-rich interaction domain 1B; plus strand). Cytogenetic location: 6q25.3.
Variant type: single nucleotide variant.
Coding change: c.3341C>G on transcript NM_001374828.1 (MANE Select); coding-DNA position 3341, C replaced by G.
Protein change: p.Ser1114Ter; replaces serine 1114 with a stop codon.
Molecular consequence: nonsense.
Genome position (GRCh38, 1-based): chr6:157,174,113, C>G. VCF-style: chr6-157174113-C-G. GRCh37 (hg19) VCF-style: chr6-157495247-C-G.
Other names: c.842C>G, p.Ser281Ter (NM_001363725.2); c.3380C>G, p.Ser1127Ter (NM_001371656.1, NM_001374820.1); c.3341C>G, p.Ser1114Ter (NM_017519.3); short protein forms S1127*, S1114*, S281*.
Identifiers: ClinVar variation 3393444 (VCV003393444.2).

ClinVar aggregate classification (germline): Pathogenic (1 of 4 stars; one submission).

Conditions:
Coffin-Siris syndrome 1 (CSS1). Also called: ARID1B-Related Coffin-Siris Syndrome; Mental retardation, autosomal dominant 12. Identifiers: Orphanet 1465, MedGen C3281201, MONDO:0007617, OMIM 135900. Disease mechanism: gain of function.

Submission:

Molecular Genetics Laboratory, Motol Hospital
Classification: Pathogenic for Coffin-Siris syndrome 1. Last evaluated: 2024-12-27. Review status: criteria provided, single submitter. Criteria: ACMG Guidelines, 2015. Collection method: clinical testing. Allele origin: de novo. Affected: yes. Observed: 1 variant allele.
Comment: The variant was found to be of a de novo origin. Rare de novo truncating variants affecting the ARID1B gene are documented as a molecular cause of "Coffin-Siris syndrome 1" (CSS1; OMIM:135900; PMID:22426308;23929686;22426309;1724113). To conclude, the variant is classified as pathogenic (ACMG PVS1, PM2, PS2).

Literature cited by the submitters: PubMed 22426308; PubMed 23929686; PubMed 22426309; PubMed 1724113.